The following is an entry in ClinVar:

ClinVar aggregate classification (germline): Uncertain significance (1 of 4 stars; one submission).

gnomAD v4.1: 1 of 1,613,438 alleles (0.000062%); highest among the groups gnomAD compares: Non-Finnish European, 0.000085%; no homozygotes.

Submission:

Labcorp Genetics (formerly Invitae), Labcorp
Classification: Uncertain significance. Last evaluated: 2023-06-09. Review status: criteria provided, single submitter. Criteria: Invitae Variant Classification Sherloc (09022015). Collection method: clinical testing. Allele origin: germline.
Comment: Advanced modeling of protein sequence and biophysical properties (such as structural, functional, and spatial information, amino acid conservation, physicochemical variation, residue mobility, and thermodynamic stability) has been performed at Invitae for this missense variant, however the output from this modeling did not meet the statistical confidence thresholds required to predict the impact of this variant on CACNA1G protein function. In summary, the available evidence is currently insufficient to determine the role of this variant in disease. Therefore, it has been classified as a Variant of Uncertain Significance. This variant has not been reported in the literature in individuals affected with CACNA1G-related conditions. This variant is not present in population databases (gnomAD no frequency). This sequence change replaces alanine, which is neutral and non-polar, with serine, which is neutral and polar, at codon 162 of the CACNA1G protein (p.Ala162Ser).

NM_018896.5(CACNA1G):c.484G>T (p.Ala162Ser)

Gene: CACNA1G (calcium voltage-gated channel subunit alpha1 G; plus strand). Cytogenetic location: 17q21.33.
Variant type: single nucleotide variant.
Coding change: c.484G>T on transcript NM_018896.5 (MANE Select); coding-DNA position 484, G replaced by T.
Protein change: p.Ala162Ser; replaces alanine 162 with serine.
Molecular consequence: missense variant. On other transcripts: non-coding transcript variant (5).
Genome position (GRCh38, 1-based): chr17:50,569,294, G>T. VCF-style: chr17-50569294-G-T. GRCh37 (hg19) VCF-style: chr17-48646655-G-T.
Other names: c.484G>T, p.Ala162Ser (NM_198387.3, NM_198388.3, NM_198396.3 and 24 more transcripts); short protein forms A162S.
Identifiers: ClinVar variation 2992095 (VCV002992095.3), dbSNP rs2144640478, ClinGen allele CA400227290.